The following is an entry in ClinVar:

NM_014324.6(AMACR):c.459T>C (p.Phe153=)

Genes: C1QTNF3-AMACR (C1QTNF3-AMACR readthrough (NMD candidate); minus strand), AMACR (alpha-methylacyl-CoA racemase; minus strand). Cytogenetic location: 5p13.2.
Variant type: single nucleotide variant.
Coding change: c.459T>C on transcript NM_014324.6 (MANE Select); coding-DNA position 459, T replaced by C.
Protein change: p.Phe153=; no amino-acid change (phenylalanine 153 retained).
Molecular consequence: synonymous variant. On other transcripts: intron variant (1).
Genome position (GRCh38, 1-based): chr5:34,004,667, A>G on the plus strand (T>C on the coding strand, the complement: AMACR is on the minus strand). VCF-style: chr5-34004667-A-G. GRCh37 (hg19) VCF-style: chr5-34004772-A-G.
Other names: c.459T>C (NM_014324.5); c.459T>C, p.Phe153= (NM_001167595.2); c.391+1089T>C (NM_203382.3).
Identifiers: ClinVar variation 1589029 (VCV001589029.10), dbSNP rs144785688, ClinGen allele CA3226199.

ClinVar aggregate classification (germline): Likely benign. Review status: criteria provided, single submitter (1 of 4 stars). 2 submissions from 2 submitters: Likely benign (1). 1 of the submissions does not count toward it. Last evaluated 2025-12-06.

Conditions:
AMACR-related disorder. Also called: AMACR-related condition; AMACR-Related Disorders.
Alpha-methylacyl-CoA racemase deficiency (AMACRD). Also called: AMACR deficiency. Identifiers: Orphanet 79095, MedGen C3280428, MONDO:0013681, OMIM 614307. Disease mechanism: loss of function.

Allele frequency attached by ClinVar (database versions not stated): ExAC 0.00003; gnomAD exomes 0.00004; gnomAD 0.00012 and 0.00015; ESP Exome Variant Server 0.00015.
gnomAD v4.1: 36 of 1,614,114 alleles (0.0022%); highest among the groups gnomAD compares: African/African-American, 0.044%; no homozygotes.

Submissions (2):

Labcorp Genetics (formerly Invitae), Labcorp
Classification: Likely benign for Alpha-methylacyl-CoA racemase deficiency. Last evaluated: 2025-12-06. Review status: criteria provided, single submitter. Criteria: Invitae Variant Classification Sherloc (09022015). Collection method: clinical testing. Allele origin: germline.

PreventionGenetics, part of Exact Sciences
Classification: Likely benign for AMACR-related condition. Last evaluated: 2019-10-31. Review status: no assertion criteria provided. Collection method: clinical testing. Allele origin: germline. Not counted in ClinVar's aggregate classification.
Comment: This variant is classified as likely benign based on ACMG/AMP sequence variant interpretation guidelines (Richards et al. 2015 PMID: 25741868, with internal and published modifications).